The following is an entry in ClinVar:

NM_022489.4(INF2):c.2310+8del

Gene: INF2 (inverted formin 2; plus strand). Cytogenetic location: 14q32.33.
Variant type: Deletion.
Coding change: c.2310+8del on transcript NM_022489.4 (MANE Select); 8 bases into the intron after coding-DNA position 2310, one base deleted (A; older notation c.2310+8delA).
Molecular consequence: intron variant.
Genome position (GRCh38, 1-based): chr14:104,711,015, A deleted. VCF-style (leftmost placement, unchanged base first): chr14-104711014-CA-C. GRCh37 (hg19) VCF-style: chr14-105177351-CA-C.
Other names: p.?; c.2310+8delA (NM_022489.3); c.2310+8del (NM_001031714.4).
Identifiers: ClinVar variation 261606 (VCV000261606.25), dbSNP rs3840006, ClinGen allele CA7372879.

ClinVar aggregate classification (germline): Benign. Review status: criteria provided, multiple submitters, no conflicts (2 of 4 stars). 10 submissions from 10 submitters: Benign (8). 2 of the submissions do not count toward it. Last evaluated 2026-02-04.

Conditions:
Charcot-Marie-Tooth disease dominant intermediate E. Also called: CHARCOT-MARIE-TOOTH NEUROPATHY WITH FOCAL SEGMENTAL GLOMERULONEPHRITIS. Identifiers: Orphanet 93114, MedGen C4302667, MONDO:0013758, OMIM 614455.
Focal segmental glomerulosclerosis 5 (FSGS5). Identifiers: Orphanet 656, MedGen C2750475, MONDO:0013191, OMIM 613237.

Allele frequency attached by ClinVar (database versions not stated): gnomAD exomes 0.56116 and 0.60713; ESP Exome Variant Server 0.57171; gnomAD 0.58720 and 0.59254; TOPMed 0.60568; ExAC 0.61098; 1000 Genomes Project 0.69489; 1000 Genomes Project 30x 0.69550.

Submissions (10):

Labcorp Genetics (formerly Invitae), Labcorp
Classification: Benign for Charcot-Marie-Tooth disease dominant intermediate E; Focal segmental glomerulosclerosis 5. Last evaluated: 2026-02-04. Review status: criteria provided, single submitter. Criteria: Invitae Variant Classification Sherloc (09022015). Collection method: clinical testing. Allele origin: germline.

Blueprint Genetics
Classification: Benign. Last evaluated: 2024-11-27. Review status: criteria provided, single submitter. Criteria: ACMG Guidelines, 2015. Collection method: clinical testing. Allele origin: germline.

Unidad de Genómica Garrahan, Hospital de Pediatría Garrahan
Classification: Benign. Last evaluated: 2024-07-15. Review status: criteria provided, single submitter. Criteria: ACMG Guidelines, 2015. Collection method: clinical testing. Allele origin: germline. Affected: no. Observed: 84 variant alleles.
Comment: This variant is classified as Benign based on local population frequency. This variant was detected in 90% of patients studied in a panel designed for Epileptic and Developmental Encephalopathy and Progressive Myoclonus Epilepsy. Number of patients: 84. Only high quality variants are reported.

Mayo Clinic Laboratories, Mayo Clinic
Classification: Benign. Last evaluated: 2022-10-27. Review status: criteria provided, single submitter. Criteria: ACMG Guidelines, 2015. Collection method: clinical testing. Allele origin: germline. Observed: 1,988 variant alleles.

Genome-Nilou Lab
Classification: Benign for Charcot-Marie-Tooth disease dominant intermediate E. Last evaluated: 2021-08-19. Review status: criteria provided, single submitter. Criteria: ACMG Guidelines, 2015. Collection method: clinical testing. Allele origin: germline. Affected: no.

Athena Diagnostics
Classification: Benign. Last evaluated: 2021-03-18. Review status: criteria provided, single submitter. Criteria: Athena Diagnostics criteria. Collection method: clinical testing. Allele origin: unknown.

GeneDx
Classification: Benign. Last evaluated: 2018-06-12. Review status: criteria provided, single submitter. Criteria: GeneDx Variant Classification Process June 2021. Collection method: clinical testing. Allele origin: germline. Affected: yes.

PreventionGenetics, part of Exact Sciences
Classification: Benign. Review status: criteria provided, single submitter. Criteria: ACMG Guidelines, 2015. Collection method: clinical testing. Allele origin: germline.

Clinical Genetics, Academic Medical Center
Classification: Benign. Review status: no assertion criteria provided. Collection method: clinical testing. Allele origin: germline. Affected: yes. Study: VKGL Data-share Consensus. Not counted in ClinVar's aggregate classification.

Diagnostic Laboratory, Department of Genetics, University Medical Center Groningen
Classification: Benign. Review status: no assertion criteria provided. Collection method: clinical testing. Allele origin: germline. Affected: yes. Study: VKGL Data-share Consensus. Not counted in ClinVar's aggregate classification.